The following is an entry in ClinVar:

ClinVar aggregate classification (germline): Uncertain significance (1 of 4 stars; one submission).

gnomAD v4.1: 32 of 1,204,227 alleles (0.0027%); highest among the groups gnomAD compares: Non-Finnish European, 0.0036%; no homozygotes.

Submission:

Labcorp Genetics (formerly Invitae), Labcorp
Classification: Uncertain significance. Last evaluated: 2026-02-03. Review status: criteria provided, single submitter. Criteria: Invitae Variant Classification Sherloc (09022015). Collection method: clinical testing. Allele origin: germline.
Comment: This sequence change replaces asparagine, which is neutral and polar, with aspartic acid, which is acidic and polar, at codon 243 of the USP9X protein (p.Asn243Asp). The frequency data for this variant in the population databases is considered unreliable, as metrics indicate poor data quality at this position in the gnomAD database. This variant has not been reported in the literature in individuals affected with USP9X-related conditions. An algorithm developed to predict the effect of missense changes on protein structure and function (PolyPhen-2) suggests that this variant is likely to be tolerated. In summary, the available evidence is currently insufficient to determine the role of this variant in disease. Therefore, it has been classified as a Variant of Uncertain Significance.

NM_001039591.3(USP9X):c.727A>G (p.Asn243Asp)

Gene: USP9X (ubiquitin specific peptidase 9 X-linked; plus strand). Cytogenetic location: Xp11.4.
Variant type: single nucleotide variant.
Coding change: c.727A>G on transcript NM_001039591.3 (MANE Select); coding-DNA position 727, A replaced by G.
Protein change: p.Asn243Asp; replaces asparagine 243 with aspartic acid.
Molecular consequence: missense variant.
Genome position (GRCh38, 1-based): chrX:41,140,728, A>G. VCF-style: chrX-41140728-A-G. GRCh37 (hg19) VCF-style: chrX-40999981-A-G.
Other names: c.727A>G, p.Asn243Asp (NM_001039590.3, NM_001410748.1, NM_001410749.1 and 1 more transcripts); short protein forms N243D.
Identifiers: ClinVar variation 4762463 (VCV004762463.1).